The following is an entry in ClinVar:

NM_024675.4(PALB2):c.-5G>A

Gene: PALB2 (partner and localizer of BRCA2; minus strand). Cytogenetic location: 16p12.2.
Variant type: single nucleotide variant.
Coding change: c.-5G>A on transcript NM_024675.4 (MANE Select); 5 bases upstream of the start codon, G replaced by A.
Molecular consequence: 5 prime UTR variant.
Genome position (GRCh38, 1-based): chr16:23,641,162, C>T on the plus strand (G>A on the coding strand, the complement: PALB2 is on the minus strand). VCF-style: chr16-23641162-C-T. GRCh37 (hg19) VCF-style: chr16-23652483-C-T.
Other names: c.-5G>A (NM_001407296.1, NM_001407297.1, NM_001407298.1 and 5 more transcripts); c.-1748G>A (NM_001407304.1, NM_001407310.1); c.-1024G>A (NM_001407305.1, NM_001407307.1, NM_001407309.1 and 1 more transcripts); c.-873G>A (NM_001407306.1, NM_001407308.1); c.-157G>A (NM_001407312.1, NM_001407313.1).
Identifiers: ClinVar variation 3228042 (VCV003228042.1), dbSNP rs730881875, ClinGen allele CA2731884685.

ClinVar aggregate classification (germline): Uncertain significance (1 of 4 stars; one submission).

Conditions:
Hereditary cancer-predisposing syndrome. Also called: Neoplastic Syndromes, Hereditary; Tumor predisposition; Hereditary neoplastic syndrome; Hereditary Cancer Syndrome. Identifiers: Orphanet 140162, MedGen C0027672, MeSH D009386, MONDO:0015356.

Submission:

Ambry Genetics
Classification: Uncertain significance for Hereditary cancer-predisposing syndrome. Last evaluated: 2023-10-27. Review status: criteria provided, single submitter. Criteria: Ambry Variant Classification Scheme 2023. Collection method: clinical testing. Allele origin: germline.
Comment: The c.-5G>A variant is located in the 5' untranslated region (5&rsquo; UTR) of the PALB2 gene. This variant results from a G to A substitution 5 bases upstream from the first translated codon. This nucleotide position is not well conserved in available vertebrate species. Since supporting evidence is limited at this time, the clinical significance of this alteration remains unclear.